The following is an entry in ClinVar:

NM_020831.6(MRTFA):c.1513G>A (p.Glu505Lys)

Gene: MRTFA (myocardin related transcription factor A; minus strand). Cytogenetic location: 22q13.1.
Variant type: single nucleotide variant.
Coding change: c.1513G>A on transcript NM_020831.6 (MANE Select); coding-DNA position 1513, G replaced by A.
Protein change: p.Glu505Lys; replaces glutamic acid 505 with lysine.
Molecular consequence: missense variant.
Genome position (GRCh38, 1-based): chr22:40,419,225, C>T on the plus strand (G>A on the coding strand, the complement: MRTFA is on the minus strand). VCF-style: chr22-40419225-C-T. GRCh37 (hg19) VCF-style: chr22-40815229-C-T.
Other names: c.1213G>A, p.Glu405Lys (NM_001282660.2); c.1363G>A, p.Glu455Lys (NM_001282661.3); c.1513G>A, p.Glu505Lys (NM_001282662.3); c.1318G>A, p.Glu440Lys (NM_001318139.2); short protein forms E455K, E405K, E440K, E505K.
Identifiers: ClinVar variation 2965556 (VCV002965556.3), dbSNP rs750511313, ClinGen allele CA10249652.

ClinVar aggregate classification (germline): Uncertain significance (1 of 4 stars; one submission).

Allele frequency attached by ClinVar (database versions not stated): gnomAD 0.00001; TOPMed 0.00002; ExAC 0.00003.
gnomAD v4.1: 12 of 1,605,436 alleles (0.00075%); highest among the groups gnomAD compares: African/African-American, 0.0054%; no homozygotes.

Submission:

Labcorp Genetics (formerly Invitae), Labcorp
Classification: Uncertain significance. Last evaluated: 2023-11-14. Review status: criteria provided, single submitter. Criteria: Invitae Variant Classification Sherloc (09022015). Collection method: clinical testing. Allele origin: germline.
Comment: This sequence change replaces glutamic acid, which is acidic and polar, with lysine, which is basic and polar, at codon 405 of the MKL1 protein (p.Glu405Lys). This variant is present in population databases (rs750511313, gnomAD 0.01%). This variant has not been reported in the literature in individuals affected with MKL1-related conditions. An algorithm developed to predict the effect of missense changes on protein structure and function (PolyPhen-2) suggests that this variant is likely to be disruptive. In summary, the available evidence is currently insufficient to determine the role of this variant in disease. Therefore, it has been classified as a Variant of Uncertain Significance.